The following is an entry in ClinVar:

NM_007194.4(CHEK2):c.1259+17T>C

Gene: CHEK2 (checkpoint kinase 2; minus strand). Cytogenetic location: 22q12.1.
Variant type: single nucleotide variant.
Coding change: c.1259+17T>C on transcript NM_007194.4 (MANE Select); 17 bases into the intron after coding-DNA position 1259, T replaced by C.
Molecular consequence: intron variant.
Genome position (GRCh38, 1-based): chr22:28,695,693, A>G on the plus strand (T>C on the coding strand, the complement: CHEK2 is on the minus strand). VCF-style: chr22-28695693-A-G. GRCh37 (hg19) VCF-style: chr22-29091681-A-G.
Other names: c.596+17T>C (NM_001437942.1, NM_001257387.3); c.1058+17T>C (NM_001349956.3); c.1172+17T>C (NM_145862.3); c.1265+17T>C (NM_001438295.1); c.1352+17T>C (NM_001438293.1); c.1301+17T>C (NM_001438294.1); c.1388+17T>C (NM_001005735.3).
Identifiers: ClinVar variation 491594 (VCV000491594.12), dbSNP rs746109434, ClinGen allele CA10167697.

ClinVar aggregate classification (germline): Benign/Likely benign. Review status: criteria provided, multiple submitters, no conflicts (2 of 4 stars). 3 submissions from 3 submitters: Benign (1); Likely benign (2). Last evaluated 2026-02-04.

Conditions:
Familial cancer of breast. Also called: Hereditary breast cancer; hereditary breast carcinoma; BREAST CANCER, FAMILIAL. Identifiers: Orphanet 227535, MedGen C0346153, MONDO:0016419, OMIM 114480. Disease mechanism: loss of function.
Hereditary cancer-predisposing syndrome. Also called: Hereditary neoplastic syndrome; Tumor predisposition; Hereditary Cancer Syndrome; Neoplastic Syndromes, Hereditary. Identifiers: Orphanet 140162, MedGen C0027672, MeSH D009386, MONDO:0015356.

Allele frequency attached by ClinVar (database versions not stated): gnomAD 0.00001 and 0.00002; TOPMed 0.00005; gnomAD exomes 0.00006 and 0.00012; ExAC 0.00014.
gnomAD v4.1: 36 of 1,611,074 alleles (0.0022%); highest among the groups gnomAD compares: Admixed American, 0.058%; no homozygotes.

Submissions (3):

Labcorp Genetics (formerly Invitae), Labcorp
Classification: Benign for Familial cancer of breast. Last evaluated: 2026-02-04. Review status: criteria provided, single submitter. Criteria: Invitae Variant Classification Sherloc (09022015). Collection method: clinical testing. Allele origin: germline.

GeneDx
Classification: Likely benign. Last evaluated: 2017-11-28. Review status: criteria provided, single submitter. Criteria: GeneDx Variant Classification (06012015). Collection method: clinical testing. Allele origin: germline. Affected: yes.
Comment: This variant is considered likely benign or benign based on one or more of the following criteria: it is a conservative change, it occurs at a poorly conserved position in the protein, it is predicted to be benign by multiple in silico algorithms, and/or has population frequency not consistent with disease.

Color Diagnostics, LLC DBA Color Health
Classification: Likely benign for Hereditary cancer-predisposing syndrome. Last evaluated: 2017-03-16. Review status: criteria provided, single submitter. Criteria: ACMG Guidelines, 2015. Collection method: clinical testing. Allele origin: germline.